The following is an entry in ClinVar:

ClinVar aggregate classification (germline): Uncertain significance. Review status: criteria provided, multiple submitters, no conflicts (2 of 4 stars). 3 submissions from 3 submitters: Uncertain significance (3). Last evaluated 2026-04-01.

Conditions:
Inborn genetic diseases. Identifiers: MedGen C0950123, MeSH D030342.
Congenital anomaly of kidney and urinary tract. Also called: Congenital anomalies of the kidney and urinary tract; Congenital anomalies of kidney and urinary tract. Identifiers: Orphanet 93545, MedGen C1968949, MeSH C566906, MONDO:0019719.
Congenital heart disease (CHD). Identifiers: MedGen C0152021, MONDO:0005453. Disease mechanism: unknown.

gnomAD v4.1: 13 of 1,613,766 alleles (0.00081%); highest among the groups gnomAD compares: East Asian, 0.0045%; no homozygotes.

Submissions (3):

Institute Of Molecular Biology And Genetics, Federal Almazov National Medical Research Centre
Classification: Uncertain significance for Congenital heart disease; Congenital anomaly of kidney and urinary tract. Last evaluated: 2026-04-01. Review status: criteria provided, single submitter. Criteria: ACMG Guidelines, 2015. Collection method: clinical testing. Allele origin: germline. Affected: yes. Observed: 1 variant allele.
Comment: The missense variant NM_001083961.2:c.2516G>A replaces arginine (polar, positively charged) with glutamine (polar, charge-neutral) at codon 839 of the WDR62 protein (p.Arg839Gln). The variant has a low allele frequency in gnomAD (ƒ =0.000008056, GnomAD v4.1.0) (PM2) and a high CADD score (28.7). The available evidence is currently insufficient to determine the role of this variant in disease, therefore, it has been classified as a Variant of Uncertain Significance.

Ambry Genetics
Classification: Uncertain significance for Inborn genetic diseases. Last evaluated: 2025-07-16. Review status: criteria provided, single submitter. Criteria: Ambry Variant Classification Scheme 2023. Collection method: clinical testing. Allele origin: germline.

Women's Health and Genetics/Laboratory Corporation of America, LabCorp
Classification: Uncertain significance. Last evaluated: 2025-04-25. Review status: criteria provided, single submitter. Criteria: LabCorp Variant Classification Summary - May 2015. Collection method: clinical testing. Allele origin: germline.
Comment: Variant summary: WDR62 c.2516G>A (p.Arg839Gln) results in a conservative amino acid change in the encoded protein sequence. Three of five in-silico tools predict a damaging effect of the variant on protein function. The variant allele was found at a frequency of 8.1e-06 in 1606770 control chromosomes in the gnomAD database (v4.1 dataset). This frequency is not significantly higher than estimated for a pathogenic variant in WDR62 causing Primary microcephaly, allowing no conclusion about variant significance. To our knowledge, no occurrence of c.2516G>A in individuals affected with Primary microcephaly and no experimental evidence demonstrating its impact on protein function have been reported. However, a different missense affecting the same amino acid, R839W, has been reported in a family in compound heterozygous state in two siblings affected with microcephaly (PMID: 26395554), which suggests that this residue might be functionally important. No submitters have cited clinical-significance assessments for this variant to ClinVar. Based on the evidence outlined above, the variant was classified as uncertain significance.

NM_001083961.2(WDR62):c.2516G>A (p.Arg839Gln)

Gene: WDR62 (WD repeat domain 62; plus strand). Cytogenetic location: 19q13.12.
Variant type: single nucleotide variant.
Coding change: c.2516G>A on transcript NM_001083961.2 (MANE Select); coding-DNA position 2516, G replaced by A.
Protein change: p.Arg839Gln; replaces arginine 839 with glutamine.
Molecular consequence: missense variant.
Genome position (GRCh38, 1-based): chr19:36,097,075, G>A. VCF-style: chr19-36097075-G-A. GRCh37 (hg19) VCF-style: chr19-36587977-G-A.
Other names: p.Arg839Gln; c.2501G>A, p.Arg834Gln (NM_001411145.1); c.2516G>A, p.Arg839Gln (NM_001411146.1, NM_173636.5); c.2165G>A, p.Arg722Gln (NM_001411147.1); c.2516G>A (NM_001083961.1); short protein forms R722Q, R834Q, R839Q.
Identifiers: ClinVar variation 3896635 (VCV003896635.4), dbSNP rs766924001.